The following is an entry in ClinVar:

NM_000400.4(ERCC2):c.1063C>A (p.Pro355Thr)

Gene: ERCC2 (ERCC excision repair 2, TFIIH core complex helicase subunit; minus strand). Cytogenetic location: 19q13.32.
Variant type: single nucleotide variant.
Coding change: c.1063C>A on transcript NM_000400.4 (MANE Select); coding-DNA position 1063, C replaced by A.
Protein change: p.Pro355Thr; replaces proline 355 with threonine.
Molecular consequence: missense variant.
Genome position (GRCh38, 1-based): chr19:45,363,798, G>T on the plus strand (C>A on the coding strand, the complement: ERCC2 is on the minus strand). VCF-style: chr19-45363798-G-T. GRCh37 (hg19) VCF-style: chr19-45867056-G-T.
Other names: c.991C>A, p.Pro331Thr (NM_001130867.2); short protein forms P331T, P355T.
Identifiers: ClinVar variation 1400626 (VCV001400626.10), dbSNP rs2123285561, ClinGen allele CA406372360.

ClinVar aggregate classification (germline): Uncertain significance. Review status: criteria provided, multiple submitters, no conflicts (2 of 4 stars). 2 submissions from 2 submitters: Uncertain significance (2). Last evaluated 2026-02-01.

Submissions (2):

CeGaT Center for Human Genetics Tuebingen
Classification: Uncertain significance. Last evaluated: 2026-02-01. Review status: criteria provided, single submitter. Criteria: CeGaT Center For Human Genetics Tuebingen Variant Classification Criteria Version 2. Collection method: clinical testing. Allele origin: germline. Affected: yes. Observed: 1 variant allele.
Comment: ERCC2: PM2, PP2

Labcorp Genetics (formerly Invitae), Labcorp
Classification: Uncertain significance. Last evaluated: 2024-12-02. Review status: criteria provided, single submitter. Criteria: Invitae Variant Classification Sherloc (09022015). Collection method: clinical testing. Allele origin: germline.
Comment: This sequence change replaces proline, which is neutral and non-polar, with threonine, which is neutral and polar, at codon 355 of the ERCC2 protein (p.Pro355Thr). This variant is not present in population databases (gnomAD no frequency). This variant has not been reported in the literature in individuals affected with ERCC2-related conditions. ClinVar contains an entry for this variant (Variation ID: 1400626). Invitae Evidence Modeling of protein sequence and biophysical properties (such as structural, functional, and spatial information, amino acid conservation, physicochemical variation, residue mobility, and thermodynamic stability) indicates that this missense variant is not expected to disrupt ERCC2 protein function with a negative predictive value of 80%. In summary, the available evidence is currently insufficient to determine the role of this variant in disease. Therefore, it has been classified as a Variant of Uncertain Significance.